The following is an entry in ClinVar:

ClinVar aggregate classification (germline): Likely benign. Review status: criteria provided, multiple submitters, no conflicts (2 of 4 stars). 3 submissions from 3 submitters: Likely benign (2). 1 of the submissions does not count toward it. Last evaluated 2025-10-20.

Conditions:
FAT1-related disorder. Also called: FAT1-related condition.
Inborn genetic diseases. Identifiers: MedGen C0950123, MeSH D030342.

Allele frequency attached by ClinVar (database versions not stated): ExAC 0.00023; 1000 Genomes Project 0.00060; TOPMed 0.00062; ESP Exome Variant Server 0.00066; gnomAD 0.00071 and 0.00075; 1000 Genomes Project 30x 0.00094.
gnomAD v4.1: 199 of 1,613,980 alleles (0.012%); highest among the groups gnomAD compares: African/African-American, 0.25%; no homozygotes.

Submissions (3):

Labcorp Genetics (formerly Invitae), Labcorp
Classification: Likely benign. Last evaluated: 2025-10-20. Review status: criteria provided, single submitter. Criteria: Invitae Variant Classification Sherloc (09022015). Collection method: clinical testing. Allele origin: germline.

Ambry Genetics
Classification: Likely benign for Inborn genetic diseases. Last evaluated: 2024-07-16. Review status: criteria provided, single submitter. Criteria: Ambry Variant Classification Scheme 2023. Collection method: clinical testing. Allele origin: germline.

PreventionGenetics, part of Exact Sciences
Classification: Likely benign for FAT1-related condition. Last evaluated: 2023-07-28. Review status: no assertion criteria provided. Collection method: clinical testing. Allele origin: germline. Not counted in ClinVar's aggregate classification.
Comment: This variant is classified as likely benign based on ACMG/AMP sequence variant interpretation guidelines (Richards et al. 2015 PMID: 25741868, with internal and published modifications).

NM_005245.4(FAT1):c.2137A>C (p.Ile713Leu)

Gene: FAT1 (FAT atypical cadherin 1; minus strand). Cytogenetic location: 4q35.2.
Variant type: single nucleotide variant.
Coding change: c.2137A>C on transcript NM_005245.4 (MANE Select); coding-DNA position 2137, A replaced by C.
Protein change: p.Ile713Leu; replaces isoleucine 713 with leucine.
Molecular consequence: missense variant.
Genome position (GRCh38, 1-based): chr4:186,707,691, T>G on the plus strand (A>C on the coding strand, the complement: FAT1 is on the minus strand). VCF-style: chr4-186707691-T-G. GRCh37 (hg19) VCF-style: chr4-187628845-T-G.
Other names: short protein forms I713L.
Identifiers: ClinVar variation 749043 (VCV000749043.11), dbSNP rs186269409, ClinGen allele CA3167316.